The following is an entry in ClinVar:

NM_000245.4(MET):c.1360A>C (p.Asn454His)

Gene: MET (MET proto-oncogene, receptor tyrosine kinase; plus strand). Cytogenetic location: 7q31.2.
Variant type: single nucleotide variant.
Coding change: c.1360A>C on transcript NM_000245.4 (MANE Select); coding-DNA position 1360, A replaced by C.
Protein change: p.Asn454His; replaces asparagine 454 with histidine.
Molecular consequence: missense variant.
Genome position (GRCh38, 1-based): chr7:116,731,827, A>C. VCF-style: chr7-116731827-A-C. GRCh37 (hg19) VCF-style: chr7-116371881-A-C.
Other names: c.1360A>C, p.Asn454His (NM_001127500.3, NM_001324401.3); c.70A>C, p.Asn24His (NM_001324402.2); c.1360A>C (NM_001127500.1); short protein forms N24H, N454H.
Identifiers: ClinVar variation 1007026 (VCV001007026.10), dbSNP rs1793019649, ClinGen allele CA368973038.

ClinVar aggregate classification (germline): Conflicting classifications of pathogenicity. Review status: criteria provided, conflicting classifications (1 of 4 stars). 2 submissions from 2 submitters: Uncertain significance (1); Likely benign (1). Last evaluated 2026-08-12.

Conditions:
Renal cell carcinoma. Identifiers: Orphanet 217071, MedGen C0007134, MeSH D002292, MONDO:0005086, HP:0005584.
Hereditary cancer-predisposing syndrome. Also called: Tumor predisposition; Hereditary Cancer Syndrome; Hereditary neoplastic syndrome; Neoplastic Syndromes, Hereditary. Identifiers: Orphanet 140162, MedGen C0027672, MeSH D009386, MONDO:0015356.

Submissions (2):

Ambry Genetics
Classification: Likely benign for Hereditary cancer-predisposing syndrome. Last evaluated: 2026-08-12. Review status: criteria provided, single submitter. Criteria: Ambry Variant Classification Scheme 2023. Collection method: clinical testing. Allele origin: germline.

Labcorp Genetics (formerly Invitae), Labcorp
Classification: Uncertain significance for Renal cell carcinoma. Last evaluated: 2024-05-21. Review status: criteria provided, single submitter. Criteria: Invitae Variant Classification Sherloc (09022015). Collection method: clinical testing. Allele origin: germline.
Comment: This sequence change replaces asparagine, which is neutral and polar, with histidine, which is basic and polar, at codon 454 of the MET protein (p.Asn454His). This variant is not present in population databases (gnomAD no frequency). This variant has not been reported in the literature in individuals affected with MET-related conditions. ClinVar contains an entry for this variant (Variation ID: 1007026). Advanced modeling of protein sequence and biophysical properties (such as structural, functional, and spatial information, amino acid conservation, physicochemical variation, residue mobility, and thermodynamic stability) performed at Invitae indicates that this missense variant is not expected to disrupt MET protein function with a negative predictive value of 80%. In summary, the available evidence is currently insufficient to determine the role of this variant in disease. Therefore, it has been classified as a Variant of Uncertain Significance.